The following is an entry in ClinVar:

ClinVar aggregate classification (germline): Uncertain significance. Review status: criteria provided, multiple submitters, no conflicts (2 of 4 stars). 3 submissions from 3 submitters: Uncertain significance (3). Last evaluated 2025-06-08.

Conditions:
Inborn genetic diseases. Identifiers: MedGen C0950123, MeSH D030342.
Autosomal recessive limb-girdle muscular dystrophy type 2P. Also called: MUSCULAR DYSTROPHY, LIMB-GIRDLE, TYPE 2P; MUSCULAR DYSTROPHY-DYSTROGLYCANOPATHY, LIMB-GIRDLE, DAG1-RELATED; Limb-Girdle Muscular Dystrophy Type 9C. Identifiers: Orphanet 280333, MedGen C4511963, MONDO:0013440, OMIM 613818.
Muscular dystrophy-dystroglycanopathy (congenital with brain and eye anomalies), type A9. Also called: WALKER-WARBURG SYNDROME OR MUSCLE-EYE BRAIN DISEASE, DAG1-RELATED; Muscular dystrophy-dystroglycanopathy (congenital with brain and eye anomalies), type a, 9. Identifiers: Orphanet 370997, Orphanet 899, MedGen C4225291, MONDO:0014683, OMIM 616538.

Allele frequency attached by ClinVar (database versions not stated): gnomAD 0.00002 and 0.00001; TOPMed 0.00002; ExAC 0.00002; gnomAD exomes 0.00001.
gnomAD v4.1: 22 of 1,612,468 alleles (0.0014%); highest among the groups gnomAD compares: African/African-American, 0.008%; no homozygotes.

Submissions (3):

Ambry Genetics
Classification: Uncertain significance for Inborn genetic diseases. Last evaluated: 2025-06-08. Review status: criteria provided, single submitter. Criteria: Ambry Variant Classification Scheme 2023. Collection method: clinical testing. Allele origin: germline.

Labcorp Genetics (formerly Invitae), Labcorp
Classification: Uncertain significance for Autosomal recessive limb-girdle muscular dystrophy type 2P; Muscular dystrophy-dystroglycanopathy (congenital with brain and eye anomalies), type A9. Last evaluated: 2022-09-12. Review status: criteria provided, single submitter. Criteria: Invitae Variant Classification Sherloc (09022015). Collection method: clinical testing. Allele origin: germline.
Comment: This sequence change replaces alanine, which is neutral and non-polar, with threonine, which is neutral and polar, at codon 695 of the DAG1 protein (p.Ala695Thr). This variant is present in population databases (rs764107385, gnomAD 0.007%). This variant has not been reported in the literature in individuals affected with DAG1-related conditions. ClinVar contains an entry for this variant (Variation ID: 501296). Advanced modeling of protein sequence and biophysical properties (such as structural, functional, and spatial information, amino acid conservation, physicochemical variation, residue mobility, and thermodynamic stability) performed at Invitae indicates that this missense variant is not expected to disrupt DAG1 protein function. In summary, the available evidence is currently insufficient to determine the role of this variant in disease. Therefore, it has been classified as a Variant of Uncertain Significance.

Eurofins Ntd Llc (ga)
Classification: Uncertain significance. Last evaluated: 2017-04-13. Review status: criteria provided, single submitter. Criteria: EGL Classification Definitions 2015. Collection method: clinical testing. Allele origin: germline. Observed: 1 variant allele, 1 heterozygote.

NM_004393.6(DAG1):c.2083G>A (p.Ala695Thr)

Gene: DAG1 (dystroglycan 1; plus strand). Cytogenetic location: 3p21.31.
Variant type: single nucleotide variant.
Coding change: c.2083G>A on transcript NM_004393.6 (MANE Select); coding-DNA position 2083, G replaced by A.
Protein change: p.Ala695Thr; replaces alanine 695 with threonine.
Molecular consequence: missense variant.
Genome position (GRCh38, 1-based): chr3:49,532,594, G>A. VCF-style: chr3-49532594-G-A. GRCh37 (hg19) VCF-style: chr3-49570027-G-A.
Other names: c.2083G>A, p.Ala695Thr (NM_001165928.4, NM_001177634.3, NM_001177635.3 and 9 more transcripts); c.2083G>A (NM_004393.4); short protein forms A695T.
Identifiers: ClinVar variation 501296 (VCV000501296.8), dbSNP rs764107385, ClinGen allele CA2399205.